The following is an entry in ClinVar:

NM_001400225.1(MGA):c.2133AGA[1] (p.Glu712del)

Gene: MGA (MAX dimerization protein MGA; plus strand). Cytogenetic location: 15q15.1.
Variant type: Microsatellite.
Coding change: c.2133AGA[1] on transcript NM_001400225.1 (MANE Select); one copy of the 3-base unit AGA starting at c.2133; the reference has two copies in a row; one copy, 3 bases deleted.
Protein change: p.Glu712del; deletes glutamic acid 712.
Molecular consequence: inframe deletion.
Genome position (GRCh38, 1-based): chr15:41,699,107-41,699,109, AGA deleted; deleting any 3 consecutive bases within chr15:41,699,104-41,699,109 gives the same sequence; the position shown is the placement nearest the transcript's 3' end. VCF-style (leftmost placement, unchanged base first): chr15-41699103-TAGA-T. GRCh37 (hg19) VCF-style: chr15-41991301-TAGA-T.
Other names: c.2133AGA[1], p.Glu712del (NM_001080541.3, NM_001164273.2, NM_001400242.1); short protein forms E712del.
Identifiers: ClinVar variation 5017707 (VCV005017707.1).

ClinVar aggregate classification (germline): Uncertain significance (1 of 4 stars; one submission).

Submission:

GeneDx
Classification: Uncertain significance. Last evaluated: 2026-04-01. Review status: criteria provided, single submitter. Criteria: GeneDx Variant Classification Process June 2021. Collection method: clinical testing. Allele origin: germline.
Comment: Not observed at significant frequency in large population cohorts (gnomAD); In-frame deletion of 1 amino acid(s) in a non-repeat region; In silico analysis supports a deleterious effect on protein structure/function; Has not been previously published as pathogenic or benign to our knowledge